The following is an entry in ClinVar:

ClinVar aggregate classification (germline): Uncertain significance. Review status: criteria provided, multiple submitters, no conflicts (2 of 4 stars). 2 submissions from 2 submitters: Uncertain significance (2). Last evaluated 2025-08-14.

Conditions:
Inborn genetic diseases. Identifiers: MedGen C0950123, MeSH D030342.
Succinate-semialdehyde dehydrogenase deficiency (SSADHD). Also called: Succinic Semialdehyde Dehydrogenase Deficiency; SSADH DEFICIENCY; 4-HYDROXYBUTYRIC ACIDURIA; GABA METABOLIC DEFECT. Identifiers: Orphanet 22, MedGen C0268631, MONDO:0010083, OMIM 271980.

Allele frequency attached by ClinVar (database versions not stated): gnomAD exomes below 0.00001; TOPMed below 0.00001; gnomAD 0.00001.
gnomAD v4.1: 4 of 1,613,936 alleles (0.00025%); highest among the groups gnomAD compares: Admixed American, 0.0033%; no homozygotes.

Submissions (2):

Ambry Genetics
Classification: Uncertain significance for Inborn genetic diseases. Last evaluated: 2025-08-14. Review status: criteria provided, single submitter. Criteria: Ambry Variant Classification Scheme 2023. Collection method: clinical testing. Allele origin: germline.

Labcorp Genetics (formerly Invitae), Labcorp
Classification: Uncertain significance for Succinate-semialdehyde dehydrogenase deficiency. Last evaluated: 2023-10-18. Review status: criteria provided, single submitter. Criteria: Invitae Variant Classification Sherloc (09022015). Collection method: clinical testing. Allele origin: germline.
Comment: This sequence change replaces aspartic acid, which is acidic and polar, with histidine, which is basic and polar, at codon 398 of the ALDH5A1 protein (p.Asp398His). This variant is present in population databases (no rsID available, gnomAD no frequency). This variant has not been reported in the literature in individuals affected with ALDH5A1-related conditions. ClinVar contains an entry for this variant (Variation ID: 936369). Advanced modeling of protein sequence and biophysical properties (such as structural, functional, and spatial information, amino acid conservation, physicochemical variation, residue mobility, and thermodynamic stability) performed at Invitae indicates that this missense variant is not expected to disrupt ALDH5A1 protein function. In summary, the available evidence is currently insufficient to determine the role of this variant in disease. Therefore, it has been classified as a Variant of Uncertain Significance.

NM_001080.3(ALDH5A1):c.1192G>C (p.Asp398His)

Gene: ALDH5A1 (aldehyde dehydrogenase 5 family member A1; plus strand). Cytogenetic location: 6p22.3.
Variant type: single nucleotide variant.
Coding change: c.1192G>C on transcript NM_001080.3 (MANE Select); coding-DNA position 1192, G replaced by C.
Protein change: p.Asp398His; replaces aspartic acid 398 with histidine.
Molecular consequence: missense variant.
Genome position (GRCh38, 1-based): chr6:24,528,015, G>C. VCF-style: chr6-24528015-G-C. GRCh37 (hg19) VCF-style: chr6-24528243-G-C.
Other names: c.1048G>C, p.Asp350His (NM_001368954.1); c.1231G>C, p.Asp411His (NM_170740.1); short protein forms D411H, D398H, D350H.
Identifiers: ClinVar variation 936369 (VCV000936369.9), dbSNP rs894412564, ClinGen allele CA136139254.